The following is an entry in ClinVar:

ClinVar aggregate classification (germline): Conflicting classifications of pathogenicity. Review status: criteria provided, conflicting classifications (1 of 4 stars). 4 submissions from 4 submitters: Uncertain significance (1); Likely benign (2). 1 of the submissions does not count toward it. Last evaluated 2024-11-06.

Conditions:
MYH8-related disorder. Also called: MYH8-related condition.
Hecht syndrome (DA7). Also called: MOUTH, INABILITY TO OPEN COMPLETELY, AND SHORT FINGER-FLEXOR TENDONS; Dutch-Kentucky syndrome. Identifiers: Orphanet 3377, MedGen C0265226, MONDO:0008016, OMIM 158300. Disease mechanism: gain of function.

Allele frequency attached by ClinVar (database versions not stated): 1000 Genomes Project 30x 0.00047; TOPMed 0.00049; 1000 Genomes Project 0.00060; ESP Exome Variant Server 0.00062; gnomAD 0.00081; gnomAD exomes 0.00095 and 0.00123; ExAC 0.00105.
gnomAD v4.1: 1,882 of 1,614,144 alleles (0.12%); highest among the groups gnomAD compares: Non-Finnish European, 0.14%; 1 homozygote.

Submissions (4):

Blueprint Genetics
Classification: Likely benign. Last evaluated: 2024-11-06. Review status: criteria provided, single submitter. Criteria: ACMG Guidelines, 2015. Collection method: clinical testing. Allele origin: germline.

Labcorp Genetics (formerly Invitae), Labcorp
Classification: Likely benign. Last evaluated: 2019-12-31. Review status: criteria provided, single submitter. Criteria: Invitae Variant Classification Sherloc (09022015). Collection method: clinical testing. Allele origin: germline.

Illumina Laboratory Services, Illumina
Classification: Uncertain significance for Hecht syndrome. Last evaluated: 2018-01-13. Review status: criteria provided, single submitter. Criteria: ICSL Variant Classification Criteria 13 December 2019. Collection method: clinical testing. Allele origin: germline.

PreventionGenetics, part of Exact Sciences
Classification: Likely benign for MYH8-related condition. Last evaluated: 2020-06-15. Review status: no assertion criteria provided. Collection method: clinical testing. Allele origin: germline. Not counted in ClinVar's aggregate classification.
Comment: This variant is classified as likely benign based on ACMG/AMP sequence variant interpretation guidelines (Richards et al. 2015 PMID: 25741868, with internal and published modifications).

NM_002472.3(MYH8):c.954G>C (p.Gln318His)

Genes: MYH8 (myosin heavy chain 8; minus strand), MYHAS (myosin heavy chain gene cluster antisense RNA; plus strand). Cytogenetic location: 17p13.1.
Variant type: single nucleotide variant.
Coding change: c.954G>C on transcript NM_002472.3 (MANE Select); coding-DNA position 954, G replaced by C.
Protein change: p.Gln318His; replaces glutamine 318 with histidine.
Molecular consequence: missense variant.
Genome position (GRCh38, 1-based): chr17:10,414,246, C>G on the plus strand (G>C on the coding strand, the complement: MYH8 is on the minus strand). VCF-style: chr17-10414246-C-G. GRCh37 (hg19) VCF-style: chr17-10317563-C-G.
Other names: short protein forms Q318H.
Identifiers: ClinVar variation 736252 (VCV000736252.11), dbSNP rs142606252, ClinGen allele CA8388203.